The following is an entry in ClinVar:

ClinVar aggregate classification (germline): Benign (1 of 4 stars; one submission).

Allele frequency attached by ClinVar (database versions not stated): gnomAD 0.37537 and 0.37725; TOPMed 0.38990; 1000 Genomes Project 0.42871; 1000 Genomes Project 30x 0.43176.
gnomAD v4.1: 56,849 of 151,968 alleles (37%); highest among the groups gnomAD compares: East Asian, 60%; 11,746 homozygotes.

Submission:

GeneDx
Classification: Benign. Last evaluated: 2018-06-14. Review status: criteria provided, single submitter. Criteria: GeneDx Variant Classification (06012015). Collection method: clinical testing. Allele origin: germline. Affected: yes.
Comment: This variant is considered likely benign or benign based on one or more of the following criteria: it is a conservative change, it occurs at a poorly conserved position in the protein, it is predicted to be benign by multiple in silico algorithms, and/or has population frequency not consistent with disease.

NM_147127.5(EVC2):c.2829+203C>G

Gene: EVC2 (EvC ciliary complex subunit 2; minus strand). Cytogenetic location: 4p16.2.
Variant type: single nucleotide variant.
Coding change: c.2829+203C>G on transcript NM_147127.5 (MANE Select); 203 bases into the intron after coding-DNA position 2829, C replaced by G.
Molecular consequence: intron variant.
Genome position (GRCh38, 1-based): chr4:5,615,219, G>C on the plus strand (C>G on the coding strand, the complement: EVC2 is on the minus strand). VCF-style: chr4-5615219-G-C. GRCh37 (hg19) VCF-style: chr4-5616946-G-C.
Other names: c.2589+203C>G (NM_001166136.2).
Identifiers: ClinVar variation 670023 (VCV000670023.1), dbSNP rs4560347, ClinGen allele CA11805649.